The following is an entry in ClinVar:

ClinVar aggregate classification (germline): Uncertain significance. Review status: criteria provided, multiple submitters, no conflicts (2 of 4 stars). 2 submissions from 2 submitters: Uncertain significance (2). Last evaluated 2025-12-30.

Conditions:
Hereditary pancreatitis (PCTT). Also called: PRSS1-Related Hereditary Pancreatitis; Hereditary chronic pancreatitis. Identifiers: Orphanet 676, MedGen C0238339, MONDO:0008185, OMIM 167800.

Submissions (2):

Ambry Genetics
Classification: Uncertain significance for Hereditary pancreatitis. Last evaluated: 2025-12-30. Review status: criteria provided, single submitter. Criteria: Ambry Variant Classification Scheme 2023. Collection method: clinical testing. Allele origin: germline.
Comment: The p.R68S variant (also known as c.202C>A), located in coding exon 3 of the PRSS1 gene, results from a C to A substitution at nucleotide position 202. The arginine at codon 68 is replaced by serine, an amino acid with dissimilar properties. This amino acid position is not well conserved in available vertebrate species. In addition, the in silico prediction for this alteration is inconclusive. Based on the available evidence, the clinical significance of this variant remains unclear.

Labcorp Genetics (formerly Invitae), Labcorp
Classification: Uncertain significance for Hereditary pancreatitis. Last evaluated: 2019-07-17. Review status: criteria provided, single submitter. Criteria: Invitae Variant Classification Sherloc (09022015). Collection method: clinical testing. Allele origin: germline.
Comment: This variant is not present in population databases (ExAC no frequency). This sequence change replaces arginine with serine at codon 68 of the PRSS1 protein (p.Arg68Ser). The arginine residue is highly conserved and there is a moderate physicochemical difference between arginine and serine. In summary, the available evidence is currently insufficient to determine the role of this variant in disease. Therefore, it has been classified as a Variant of Uncertain Significance. Algorithms developed to predict the effect of sequence changes on RNA splicing suggest that this variant may create or strengthen a splice site, but this prediction has not been confirmed by published transcriptional studies. Algorithms developed to predict the effect of missense changes on protein structure and function (SIFT, PolyPhen-2, Align-GVGD) all suggest that this variant is likely to be tolerated, but these predictions have not been confirmed by published functional studies and their clinical significance is uncertain. This variant has not been reported in the literature in individuals with PRSS1-related conditions.

NM_002769.5(PRSS1):c.202C>A (p.Arg68Ser)

Genes: PRSS1 (serine protease 1; plus strand), TRB (T cell receptor beta locus; plus strand). Cytogenetic location: 7q34.
Variant type: single nucleotide variant.
Coding change: c.202C>A on transcript NM_002769.5 (MANE Select); coding-DNA position 202, C replaced by A.
Protein change: p.Arg68Ser; replaces arginine 68 with serine.
Molecular consequence: missense variant.
Genome position (GRCh38, 1-based): chr7:142,751,775, C>A. VCF-style: chr7-142751775-C-A. GRCh37 (hg19) VCF-style: chr7-142459626-C-A.
Other names: short protein forms R68S.
Identifiers: ClinVar variation 951706 (VCV000951706.10), dbSNP rs145867820, ClinGen allele CA369608328.
Genomic context (GRCh38, chr7:142,751,775, plus strand): 5'-GTGGGATAGGTGCCCTGGCTGTGGGAGAAGGTCTTCACCATGCCTGCCCTGCCCATCAGC[C>A]GCATCCAGGTGAGACTGGGAGAGCACAACATCGAAGTCCTGGAGGGGAATGAGCAGTTCA-3'
Protein context (NP_002760.1, residues 58-78): VVSAGHCYKS[Arg68Ser]IQVRLGEHNI